The following is an entry in ClinVar:

NM_001030.6(RPS27):c.-7C>G

Genes: RPS27 (ribosomal protein S27; plus strand), LOC126805872 (BRD4-independent group 4 enhancer GRCh37_chr1:153962963-153964162; plus strand). Cytogenetic location: 1q21.3.
Variant type: single nucleotide variant.
Coding change: c.-7C>G on transcript NM_001030.6 (MANE Select); 7 bases upstream of the start codon, C replaced by G.
Molecular consequence: 5 prime UTR variant.
Genome position (GRCh38, 1-based): chr1:153,990,790, C>G. VCF-style: chr1-153990790-C-G. GRCh37 (hg19) VCF-style: chr1-153963266-C-G.
Other names: c.-224C>G (NM_001349946.2); c.-335C>G (NM_001349947.2).
Identifiers: ClinVar variation 3058828 (VCV003058828.2), dbSNP rs181547215, ClinGen allele CA1123797.

ClinVar aggregate classification (germline): Likely benign (0 of 4 stars; one submission).

Conditions:
RPS27-related disorder. Also called: RPS27-related condition.

gnomAD v4.1: 147 of 1,614,100 alleles (0.0091%); highest among the groups gnomAD compares: African/African-American, 0.071%; no homozygotes.

Submission:

PreventionGenetics, part of Exact Sciences
Classification: Likely benign for RPS27-related condition. Last evaluated: 2024-01-19. Review status: no assertion criteria provided. Collection method: clinical testing. Allele origin: germline.
Comment: This variant is classified as likely benign based on ACMG/AMP sequence variant interpretation guidelines (Richards et al. 2015 PMID: 25741868, with internal and published modifications).